The following is an entry in ClinVar:

NM_006206.6(PDGFRA):c.2156+3G>A

Gene: PDGFRA (platelet derived growth factor receptor alpha; plus strand). Cytogenetic location: 4q12.
Variant type: single nucleotide variant.
Coding change: c.2156+3G>A on transcript NM_006206.6 (MANE Select); 3 bases into the intron after coding-DNA position 2156, G replaced by A.
Molecular consequence: intron variant.
Genome position (GRCh38, 1-based): chr4:54,278,518, G>A. VCF-style: chr4-54278518-G-A. GRCh37 (hg19) VCF-style: chr4-55144685-G-A.
Other names: c.2231+3G>A (NM_001347828.2); c.2156+3G>A (NM_001347827.2, NM_001347829.2); c.2195+3G>A (NM_001347830.2).
Identifiers: ClinVar variation 3005094 (VCV003005094.3), dbSNP rs1723885021, ClinGen allele CA645526423.

ClinVar aggregate classification (germline): Uncertain significance (1 of 4 stars; one submission).

Conditions:
Gastrointestinal stromal tumor. Also called: Gastrointestinal stromal tumor, somatic; Gastrointestinal stroma tumor. Identifiers: Orphanet 44890, MedGen C0238198, MeSH D046152, MONDO:0011719, OMIM 606764, HP:0100723.

Allele frequency attached by ClinVar (database versions not stated): gnomAD 0.00001.
gnomAD v4.1: 1 of 1,613,684 alleles (0.000062%); highest among the groups gnomAD compares: African/African-American, 0.0013%; no homozygotes.

Submission:

Labcorp Genetics (formerly Invitae), Labcorp
Classification: Uncertain significance for Gastrointestinal stromal tumor. Last evaluated: 2025-09-24. Review status: criteria provided, single submitter. Criteria: Invitae Variant Classification Sherloc (09022015). Collection method: clinical testing. Allele origin: germline.
Comment: This sequence change falls in intron 15 of the PDGFRA gene. It does not directly change the encoded amino acid sequence of the PDGFRA protein. It affects a nucleotide within the consensus splice site. This variant is not present in population databases (gnomAD no frequency). This variant has not been reported in the literature in individuals affected with PDGFRA-related conditions. ClinVar contains an entry for this variant (Variation ID: 3005094). Variants that disrupt the consensus splice site are a relatively common cause of aberrant splicing (PMID: 17576681, 9536098). Algorithms developed to predict the effect of sequence changes on RNA splicing suggest that this variant is not likely to affect RNA splicing. In summary, the available evidence is currently insufficient to determine the role of this variant in disease. Therefore, it has been classified as a Variant of Uncertain Significance.

Literature cited by the submitters: PubMed 17576681; PubMed 9536098.